The following is an entry in ClinVar:

NM_003906.5(MCM3AP):c.842T>G (p.Val281Gly)

Gene: MCM3AP (minichromosome maintenance complex component 3 associated protein; minus strand). Cytogenetic location: 21q22.3.
Variant type: single nucleotide variant.
Coding change: c.842T>G on transcript NM_003906.5 (MANE Select); coding-DNA position 842, T replaced by G.
Protein change: p.Val281Gly; replaces valine 281 with glycine.
Molecular consequence: missense variant.
Genome position (GRCh38, 1-based): chr21:46,284,445, A>C on the plus strand (T>G on the coding strand, the complement: MCM3AP is on the minus strand). VCF-style: chr21-46284445-A-C. GRCh37 (hg19) VCF-style: chr21-47704359-A-C.
Other names: short protein forms V281G.
Identifiers: ClinVar variation 3772228 (VCV003772228.13).

ClinVar aggregate classification (germline): Uncertain significance (1 of 4 stars; one submission).

Submission:

CeGaT Center for Human Genetics Tuebingen
Classification: Uncertain significance. Last evaluated: 2025-01-01. Review status: criteria provided, single submitter. Criteria: CeGaT Center For Human Genetics Tuebingen Variant Classification Criteria Version 2. Collection method: clinical testing. Allele origin: germline. Affected: yes. Observed: 1 variant allele.
Comment: MCM3AP: PM2, BP4